The following is an entry in ClinVar:

ClinVar aggregate classification (germline): Uncertain significance (1 of 4 stars; one submission).

gnomAD v4.1: 1 of 1,532,366 alleles (0.000065%); highest among the groups gnomAD compares: South Asian, 0.0011%; no homozygotes.

Submission:

Labcorp Genetics (formerly Invitae), Labcorp
Classification: Uncertain significance. Last evaluated: 2025-11-15. Review status: criteria provided, single submitter. Criteria: Invitae Variant Classification Sherloc (09022015). Collection method: clinical testing. Allele origin: germline.
Comment: This sequence change replaces arginine, which is basic and polar, with glycine, which is neutral and non-polar, at codon 1386 of the PHIP protein (p.Arg1386Gly). This variant is not present in population databases (gnomAD no frequency). This variant has not been reported in the literature in individuals affected with PHIP-related conditions. Invitae Evidence Modeling of protein sequence and biophysical properties (such as structural, functional, and spatial information, amino acid conservation, physicochemical variation, residue mobility, and thermodynamic stability) has been performed for this missense variant. However, the output from this modeling did not meet the statistical confidence thresholds required to predict the impact of this variant on PHIP protein function. In summary, the available evidence is currently insufficient to determine the role of this variant in disease. Therefore, it has been classified as a Variant of Uncertain Significance.

NM_017934.7(PHIP):c.4156A>G (p.Arg1386Gly)

Genes: IRAK1BP1 (interleukin 1 receptor associated kinase 1 binding protein 1; plus strand), PHIP (PHIP subunit of CUL4-Ring ligase complex; minus strand). Cytogenetic location: 6q14.1.
Variant type: single nucleotide variant.
Coding change: c.4156A>G on transcript NM_017934.7 (MANE Select); coding-DNA position 4156, A replaced by G.
Protein change: p.Arg1386Gly; replaces arginine 1386 with glycine.
Molecular consequence: missense variant.
Genome position (GRCh38, 1-based): chr6:78,947,673, T>C on the plus strand (A>G on the coding strand, the complement: PHIP is on the minus strand). VCF-style: chr6-78947673-T-C. GRCh37 (hg19) VCF-style: chr6-79657390-T-C.
Other names: short protein forms R1386G.
Identifiers: ClinVar variation 4710285 (VCV004710285.1).